The following is an entry in ClinVar:

NM_001851.6(COL9A1):c.1928G>T (p.Gly643Val)

Gene: COL9A1 (collagen type IX alpha 1 chain; minus strand). Cytogenetic location: 6q13.
Variant type: single nucleotide variant.
Coding change: c.1928G>T on transcript NM_001851.6 (MANE Select); coding-DNA position 1928, G replaced by T.
Protein change: p.Gly643Val; replaces glycine 643 with valine.
Molecular consequence: missense variant. On other transcripts: non-coding transcript variant (1).
Genome position (GRCh38, 1-based): chr6:70,242,034, C>A on the plus strand (G>T on the coding strand, the complement: COL9A1 is on the minus strand). VCF-style: chr6-70242034-C-A. GRCh37 (hg19) VCF-style: chr6-70951737-C-A.
Other names: c.1229G>T, p.Gly410Val (NM_001377289.1); c.1199G>T, p.Gly400Val (NM_001377290.1, NM_078485.4); short protein forms G643V, G400V, G410V.
Identifiers: ClinVar variation 1410352 (VCV001410352.4), dbSNP rs1770293261, ClinGen allele CA364675769.

ClinVar aggregate classification (germline): Uncertain significance. Review status: criteria provided, multiple submitters, no conflicts (2 of 4 stars). 2 submissions from 2 submitters: Uncertain significance (2). Last evaluated 2023-08-14.

Allele frequency attached by ClinVar (database versions not stated): gnomAD exomes below 0.00001; TOPMed below 0.00001; gnomAD 0.00001.
gnomAD v4.1: 6 of 1,590,562 alleles (0.00038%); highest among the groups gnomAD compares: Admixed American, 0.0017%; no homozygotes.

Submissions (2):

Blueprint Genetics
Classification: Uncertain significance. Last evaluated: 2023-08-14. Review status: criteria provided, single submitter. Criteria: ACMG Guidelines, 2015. Collection method: clinical testing. Allele origin: germline.

Labcorp Genetics (formerly Invitae), Labcorp
Classification: Uncertain significance. Last evaluated: 2021-11-10. Review status: criteria provided, single submitter. Criteria: Invitae Variant Classification Sherloc (09022015). Collection method: clinical testing. Allele origin: germline.
Comment: This sequence change replaces glycine, which is neutral and non-polar, with valine, which is neutral and non-polar, at codon 643 of the COL9A1 protein (p.Gly643Val). This variant is not present in population databases (gnomAD no frequency). This variant has not been reported in the literature in individuals affected with COL9A1-related conditions. Algorithms developed to predict the effect of missense changes on protein structure and function (SIFT, PolyPhen-2, Align-GVGD) all suggest that this variant is likely to be disruptive. In summary, the available evidence is currently insufficient to determine the role of this variant in disease. Therefore, it has been classified as a Variant of Uncertain Significance.